The following is an entry in ClinVar:

ClinVar aggregate classification (germline): Uncertain significance (1 of 4 stars; one submission).

Conditions:
Hereditary cancer-predisposing syndrome. Also called: Neoplastic Syndromes, Hereditary; Tumor predisposition; Hereditary Cancer Syndrome; Hereditary neoplastic syndrome. Identifiers: Orphanet 140162, MedGen C0027672, MeSH D009386, MONDO:0015356.

gnomAD v4.1: 3 of 1,462,908 alleles (0.00021%); highest among the groups gnomAD compares: Non-Finnish European, 0.00019%; no homozygotes.

Submission:

Ambry Genetics
Classification: Uncertain significance for Hereditary cancer-predisposing syndrome. Last evaluated: 2025-07-28. Review status: criteria provided, single submitter. Criteria: Ambry Variant Classification Scheme 2023. Collection method: clinical testing. Allele origin: germline.
Comment: The c.53-27T>G intronic variant results from a T to G substitution 27 nucleotides upstream from coding exon 2 in the SDHD gene. In silico splice site analysis predicts that this alteration may weaken the native splice acceptor site; however, direct evidence is insufficient at this time (Ambry internal data). Based on the available evidence, the clinical significance of this variant remains unclear.

NM_003002.4(SDHD):c.53-27T>G

Gene: SDHD (succinate dehydrogenase complex subunit D; plus strand). Cytogenetic location: 11q23.1.
Variant type: single nucleotide variant.
Coding change: c.53-27T>G on transcript NM_003002.4 (MANE Select); 27 bases into the intron before coding-DNA position 53, T replaced by G.
Molecular consequence: intron variant.
Genome position (GRCh38, 1-based): chr11:112,087,830, T>G. VCF-style: chr11-112087830-T-G. GRCh37 (hg19) VCF-style: chr11-111958554-T-G.
Other names: c.53-27T>G (NM_001276506.2, NM_001276503.2); c.52+871T>G (NM_001276504.2).
Identifiers: ClinVar variation 4161269 (VCV004161269.1).